The following is an entry in ClinVar:

ClinVar aggregate classification (germline): Uncertain significance (1 of 4 stars; one submission).

Conditions:
GRN-related frontotemporal lobar degeneration with Tdp43 inclusions (FTD2). Also called: DEMENTIA, HEREDITARY DYSPHASIC DISINHIBITION; FRONTOTEMPORAL LOBAR DEGENERATION WITH UBIQUITIN-POSITIVE INCLUSIONS; FTLD-TDP, GRN-RELATED; GRN Frontotemporal Dementia; FRONTOTEMPORAL DEMENTIA WITH TDP43 INCLUSIONS, GRN-RELATED. Identifiers: Orphanet 100070, Orphanet 282, MedGen C1843792, MONDO:0011842, OMIM 607485. Disease mechanism: loss of function.
Neuronal ceroid lipofuscinosis 11. Also called: GRN-Related Neuronal Ceroid-Lipofuscinosis. Identifiers: Orphanet 314629, Orphanet 79262, MedGen C3539123, MONDO:0013866, OMIM 614706.

Allele frequency attached by ClinVar (database versions not stated): gnomAD 0.00001; TOPMed 0.00002.

Submission:

Labcorp Genetics (formerly Invitae), Labcorp
Classification: Uncertain significance for Neuronal ceroid lipofuscinosis 11; GRN-related frontotemporal lobar degeneration with Tdp43 inclusions. Last evaluated: 2022-03-01. Review status: criteria provided, single submitter. Criteria: Invitae Variant Classification Sherloc (09022015). Collection method: clinical testing. Allele origin: germline.
Comment: This sequence change replaces alanine, which is neutral and non-polar, with valine, which is neutral and non-polar, at codon 29 of the GRN protein (p.Ala29Val). In summary, the available evidence is currently insufficient to determine the role of this variant in disease. Therefore, it has been classified as a Variant of Uncertain Significance. Algorithms developed to predict the effect of missense changes on protein structure and function (SIFT, PolyPhen-2, Align-GVGD) all suggest that this variant is likely to be tolerated. This variant has not been reported in the literature in individuals affected with GRN-related conditions. This variant is not present in population databases (gnomAD no frequency).

NM_002087.4(GRN):c.86C>T (p.Ala29Val)

Gene: GRN (granulin precursor; plus strand). Cytogenetic location: 17q21.31.
Variant type: single nucleotide variant.
Coding change: c.86C>T on transcript NM_002087.4 (MANE Select); coding-DNA position 86, C replaced by T.
Protein change: p.Ala29Val; replaces alanine 29 with valine.
Molecular consequence: missense variant.
Genome position (GRCh38, 1-based): chr17:44,349,250, C>T. VCF-style: chr17-44349250-C-T. GRCh37 (hg19) VCF-style: chr17-42426618-C-T.
Other names: short protein forms A29V.
Identifiers: ClinVar variation 2189757 (VCV002189757.4), dbSNP rs1567885405, ClinGen allele CA399759297.